The following is an entry in ClinVar:

ClinVar aggregate classification (germline): Likely benign. Review status: criteria provided, multiple submitters, no conflicts (2 of 4 stars). 3 submissions from 3 submitters: Likely benign (2). 1 of the submissions does not count toward it. Last evaluated 2025-11-27.

Conditions:
CDC73-related disorder. Also called: CDC73-related condition; CDC73-related disorders. Identifiers: MedGen CN169292.
Hereditary cancer-predisposing syndrome. Also called: Hereditary neoplastic syndrome; Neoplastic Syndromes, Hereditary; Hereditary Cancer Syndrome; Tumor predisposition. Identifiers: Orphanet 140162, MedGen C0027672, MeSH D009386, MONDO:0015356.
Parathyroid carcinoma (PRTC). Also called: Parathyroid gland carcinoma; CDC73-Related Parathyroid Carcinoma. Identifiers: Orphanet 143, MedGen C0687150, MONDO:0012004, OMIM 608266, HP:0006780.

Allele frequency attached by ClinVar (database versions not stated): gnomAD exomes 0.00002; ExAC 0.00003; gnomAD 0.00003 and 0.00004; TOPMed 0.00005; ESP Exome Variant Server 0.00008.
gnomAD v4.1: 35 of 1,612,948 alleles (0.0022%); highest among the groups gnomAD compares: South Asian, 0.0044%; no homozygotes.

Submissions (3):

Labcorp Genetics (formerly Invitae), Labcorp
Classification: Likely benign for Parathyroid carcinoma. Last evaluated: 2025-11-27. Review status: criteria provided, single submitter. Criteria: Invitae Variant Classification Sherloc (09022015). Collection method: clinical testing. Allele origin: germline.

Ambry Genetics
Classification: Likely benign for Hereditary cancer-predisposing syndrome. Last evaluated: 2025-05-19. Review status: criteria provided, single submitter. Criteria: Ambry Variant Classification Scheme 2023. Collection method: clinical testing. Allele origin: germline.

PreventionGenetics, part of Exact Sciences
Classification: Likely benign for CDC73-related condition. Last evaluated: 2024-05-10. Review status: no assertion criteria provided. Collection method: clinical testing. Allele origin: germline. Not counted in ClinVar's aggregate classification.
Comment: This variant is classified as likely benign based on ACMG/AMP sequence variant interpretation guidelines (Richards et al. 2015 PMID: 25741868, with internal and published modifications).

NM_024529.5(CDC73):c.762A>G (p.Gln254=)

Gene: CDC73 (cell division cycle 73; plus strand). Cytogenetic location: 1q31.2.
Variant type: single nucleotide variant.
Coding change: c.762A>G on transcript NM_024529.5 (MANE Select); coding-DNA position 762, A replaced by G.
Protein change: p.Gln254=; no amino-acid change (glutamine 254 retained).
Molecular consequence: synonymous variant.
Genome position (GRCh38, 1-based): chr1:193,147,899, A>G. VCF-style: chr1-193147899-A-G. GRCh37 (hg19) VCF-style: chr1-193117029-A-G.
Identifiers: ClinVar variation 403898 (VCV000403898.16), dbSNP rs141847473, ClinGen allele CA1303457.
Genomic context (GRCh38, chr1:193,147,899, plus strand): 5'-GCTTAATTAAAATCCATTTATATTTTAGAATTTTTCCAAGAACATTTTTGCAATTCTTCA[A>G]TCTGTAAAAGCCAGAGAAGAAGGGCGTGCACCTGAACAGCGACCTGCCCCAAATGCAGCA-3'
Protein context (NP_078805.3, residues 244-264): NFSKNIFAIL[Gln254=]SVKAREEGRA